The following is an entry in ClinVar:

ClinVar aggregate classification (germline): Uncertain significance (1 of 4 stars; one submission).

Allele frequency attached by ClinVar (database versions not stated): TOPMed 0.00001; 1000 Genomes Project 30x 0.00016; gnomAD 0.00003; gnomAD exomes below 0.00001; ExAC 0.00003; 1000 Genomes Project 0.00020.
gnomAD v4.1: 7 of 1,610,114 alleles (0.00043%); highest among the groups gnomAD compares: African/African-American, 0.0067%; no homozygotes.

Submission:

GeneDx
Classification: Uncertain significance. Last evaluated: 2023-05-21. Review status: criteria provided, single submitter. Criteria: GeneDx Variant Classification Process June 2021. Collection method: clinical testing. Allele origin: germline.
Comment: In silico analysis supports that this missense variant has a deleterious effect on protein structure/function; Has not been previously published as pathogenic or benign to our knowledge; Occurs in the triple helical domain at the X position in the canonical Gly-X-Y repeat; although this variant may have an effect on normal protein folding and function, missense substitution at the X position is not a common mechanism of disease

NM_001845.6(COL4A1):c.3701C>T (p.Pro1234Leu)

Gene: COL4A1 (collagen type IV alpha 1 chain; minus strand). Cytogenetic location: 13q34.
Variant type: single nucleotide variant.
Coding change: c.3701C>T on transcript NM_001845.6 (MANE Select); coding-DNA position 3701, C replaced by T.
Protein change: p.Pro1234Leu; replaces proline 1234 with leucine.
Molecular consequence: missense variant.
Genome position (GRCh38, 1-based): chr13:110,170,588, G>A on the plus strand (C>T on the coding strand, the complement: COL4A1 is on the minus strand). VCF-style: chr13-110170588-G-A. GRCh37 (hg19) VCF-style: chr13-110822935-G-A.
Other names: short protein forms P1234L.
Identifiers: ClinVar variation 1712709 (VCV001712709.3), dbSNP rs552258998, ClinGen allele CA7047174.